The following is an entry in ClinVar:

ClinVar aggregate classification (germline): Uncertain significance. Review status: criteria provided, multiple submitters, no conflicts (2 of 4 stars). 3 submissions from 3 submitters: Uncertain significance (3). Last evaluated 2023-09-10.

Conditions:
Brugada syndrome 4 (BRGDA4). Identifiers: Orphanet 130, MedGen C2678477, MONDO:0012743, OMIM 611876.

Allele frequency attached by ClinVar (database versions not stated): gnomAD exomes below 0.00001.
gnomAD v4.1: 2 of 1,614,068 alleles (0.00012%); highest among the groups gnomAD compares: Admixed American, 0.0017%; no homozygotes.

Submissions (3):

Labcorp Genetics (formerly Invitae), Labcorp
Classification: Uncertain significance for Brugada syndrome 4. Last evaluated: 2023-09-10. Review status: criteria provided, single submitter. Criteria: Invitae Variant Classification Sherloc (09022015). Collection method: clinical testing. Allele origin: germline.
Comment: This sequence change replaces arginine, which is basic and polar, with glutamine, which is neutral and polar, at codon 66 of the CACNB2 protein (p.Arg66Gln). This variant is present in population databases (rs202220375, gnomAD 0.003%). This variant has not been reported in the literature in individuals affected with CACNB2-related conditions. ClinVar contains an entry for this variant (Variation ID: 191431). Advanced modeling of protein sequence and biophysical properties (such as structural, functional, and spatial information, amino acid conservation, physicochemical variation, residue mobility, and thermodynamic stability) performed at Invitae indicates that this missense variant is expected to disrupt CACNB2 protein function. In summary, the available evidence is currently insufficient to determine the role of this variant in disease. Therefore, it has been classified as a Variant of Uncertain Significance.

AiLife Diagnostics
Classification: Uncertain significance. Last evaluated: 2021-08-20. Review status: criteria provided, single submitter. Criteria: ACMG Guidelines, 2015. Collection method: clinical testing. Allele origin: germline. Affected: yes. Observed: 1 variant allele.

Biesecker Lab/Clinical Genomics Section, National Institutes of Health
Classification: Uncertain significance. Last evaluated: 2013-06-24. Review status: criteria provided, single submitter. Criteria: Ng et al. (Circ Cardiovasc Genet. 2013). Collection method: research. Allele origin: unknown. Observed: 1 variant allele. Study: ClinSeq.
Comment: The study set was not selected for affection status in relation to any cancer. Pathogenicity categories were based on literature curation. See Pubmed ID:23861362 for details.

Medical sequencing

NM_201596.3(CACNB2):c.359G>A (p.Arg120Gln)

Gene: CACNB2 (calcium voltage-gated channel auxiliary subunit beta 2; plus strand). Cytogenetic location: 10p12.31.
Variant type: single nucleotide variant.
Coding change: c.359G>A on transcript NM_201596.3 (MANE Select); coding-DNA position 359, G replaced by A.
Protein change: p.Arg120Gln; replaces arginine 120 with glutamine.
Molecular consequence: missense variant.
Genome position (GRCh38, 1-based): chr10:18,498,380, G>A. VCF-style: chr10-18498380-G-A. GRCh37 (hg19) VCF-style: chr10-18787309-G-A.
Other names: c.194G>A, p.Arg65Gln (NM_000724.4, NM_001330060.2); c.275G>A, p.Arg92Gln (NM_001167945.2, NM_201571.4, NM_201572.4); c.215G>A, p.Arg72Gln (NM_201570.3); c.197G>A, p.Arg66Gln (NM_201590.3); c.359G>A, p.Arg120Gln (NM_201593.3, NM_201597.3); short protein forms R120Q, R66Q, R72Q, R92Q, R65Q.
Identifiers: ClinVar variation 191431 (VCV000191431.3), dbSNP rs202220375, ClinGen allele CA236646.